The following is an entry in ClinVar:

ClinVar aggregate classification (germline): Uncertain significance. Review status: criteria provided, multiple submitters, no conflicts (2 of 4 stars). 2 submissions from 2 submitters: Uncertain significance (2). Last evaluated 2025-02-07.

Conditions:
Inborn genetic diseases. Identifiers: MedGen C0950123, MeSH D030342.
Perlman syndrome (PRLMNS). Identifiers: Orphanet 2849, MedGen C0796113, MONDO:0009965, OMIM 267000.

Allele frequency attached by ClinVar (database versions not stated): gnomAD exomes 0.00003.
gnomAD v4.1: 43 of 1,613,932 alleles (0.0027%); highest among the groups gnomAD compares: Non-Finnish European, 0.0036%; no homozygotes.

Submissions (2):

Ambry Genetics
Classification: Uncertain significance for Inborn genetic diseases. Last evaluated: 2025-02-07. Review status: criteria provided, single submitter. Criteria: Ambry Variant Classification Scheme 2023. Collection method: clinical testing. Allele origin: germline.

Labcorp Genetics (formerly Invitae), Labcorp
Classification: Uncertain significance for Perlman syndrome. Last evaluated: 2022-12-23. Review status: criteria provided, single submitter. Criteria: Invitae Variant Classification Sherloc (09022015). Collection method: clinical testing. Allele origin: germline.
Comment: In summary, the available evidence is currently insufficient to determine the role of this variant in disease. Therefore, it has been classified as a Variant of Uncertain Significance. Advanced modeling of protein sequence and biophysical properties (such as structural, functional, and spatial information, amino acid conservation, physicochemical variation, residue mobility, and thermodynamic stability) performed at Invitae indicates that this missense variant is not expected to disrupt DIS3L2 protein function. ClinVar contains an entry for this variant (Variation ID: 463068). This variant has not been reported in the literature in individuals affected with DIS3L2-related conditions. This variant is not present in population databases (gnomAD no frequency). This sequence change replaces histidine, which is basic and polar, with leucine, which is neutral and non-polar, at codon 571 of the DIS3L2 protein (p.His571Leu).

NM_152383.5(DIS3L2):c.1712A>T (p.His571Leu)

Gene: DIS3L2 (DIS3 like 3'-5' exoribonuclease 2; plus strand). Cytogenetic location: 2q37.1.
Variant type: single nucleotide variant.
Coding change: c.1712A>T on transcript NM_152383.5 (MANE Select); coding-DNA position 1712, A replaced by T.
Protein change: p.His571Leu; replaces histidine 571 with leucine.
Molecular consequence: missense variant. On other transcripts: intron variant (1), non-coding transcript variant (2).
Genome position (GRCh38, 1-based): chr2:232,300,092, A>T. VCF-style: chr2-232300092-A-T. GRCh37 (hg19) VCF-style: chr2-233164802-A-T.
Other names: c.1581+36730A>T (NM_001257281.2); short protein forms H571L.
Identifiers: ClinVar variation 463068 (VCV000463068.9), dbSNP rs1438379709, ClinGen allele CA350978647.